The following is an entry in ClinVar:

ClinVar aggregate classification (germline): Uncertain significance (1 of 4 stars; one submission).

Allele frequency attached by ClinVar (database versions not stated): gnomAD exomes 0.00001.

Submission:

Labcorp Genetics (formerly Invitae), Labcorp
Classification: Uncertain significance. Last evaluated: 2025-10-13. Review status: criteria provided, single submitter. Criteria: Invitae Variant Classification Sherloc (09022015). Collection method: clinical testing. Allele origin: germline.
Comment: This sequence change replaces valine, which is neutral and non-polar, with isoleucine, which is neutral and non-polar, at codon 657 of the SIRT1 protein (p.Val657Ile). This variant is not present in population databases (gnomAD no frequency). This variant has not been reported in the literature in individuals affected with SIRT1-related conditions. ClinVar contains an entry for this variant (Variation ID: 2998807). An algorithm developed to predict the effect of missense changes on protein structure and function (PolyPhen-2) suggests that this variant is likely to be tolerated. In summary, the available evidence is currently insufficient to determine the role of this variant in disease. Therefore, it has been classified as a Variant of Uncertain Significance.

NM_012238.5(SIRT1):c.1969G>A (p.Val657Ile)

Gene: SIRT1 (sirtuin 1; plus strand). Cytogenetic location: 10q21.3.
Variant type: single nucleotide variant.
Coding change: c.1969G>A on transcript NM_012238.5 (MANE Select); coding-DNA position 1969, G replaced by A.
Protein change: p.Val657Ile; replaces valine 657 with isoleucine.
Molecular consequence: missense variant.
Genome position (GRCh38, 1-based): chr10:67,916,318, G>A. VCF-style: chr10-67916318-G-A. GRCh37 (hg19) VCF-style: chr10-69676075-G-A.
Other names: c.1084G>A, p.Val362Ile (NM_001142498.2); c.1060G>A, p.Val354Ile (NM_001314049.2); short protein forms V362I, V354I, V657I.
Identifiers: ClinVar variation 2998807 (VCV002998807.3), dbSNP rs199502996, ClinGen allele CA377052125.
Genomic context (GRCh38, chr10:67,916,318, plus strand): 5'-ATTTCAGGTAATCAGTATCTGTTTTTGCCACCAAATCGTTACATTTTCCATGGCGCTGAG[G>A]TATATTCAGACTCTGAAGATGACGTCTTATCCTCTAGTTCTTGTGGCAGTAACAGTGATA-3'
Protein context (NP_036370.2, residues 647-667): PNRYIFHGAE[Val657Ile]YSDSEDDVLS